The following is an entry in ClinVar:

ClinVar aggregate classification (germline): Uncertain significance. Review status: criteria provided, multiple submitters, no conflicts (2 of 4 stars). 2 submissions from 2 submitters: Uncertain significance (2). Last evaluated 2025-06-22.

Conditions:
Inborn genetic diseases. Identifiers: MedGen C0950123, MeSH D030342.
Combined oxidative phosphorylation defect type 27. Also called: Combined oxidative phosphorylation deficiency 27. Identifiers: Orphanet 477774, MedGen C5567608, MONDO:0014728, OMIM 616672.

Allele frequency attached by ClinVar (database versions not stated): gnomAD 0.00001; TOPMed 0.00003.
gnomAD v4.1: 2 of 1,613,320 alleles (0.00012%); highest among the groups gnomAD compares: African/African-American, 0.0013%; no homozygotes.

Submissions (2):

Ambry Genetics
Classification: Uncertain significance for Inborn genetic diseases. Last evaluated: 2025-06-22. Review status: criteria provided, single submitter. Criteria: Ambry Variant Classification Scheme 2023. Collection method: clinical testing. Allele origin: germline.

Labcorp Genetics (formerly Invitae), Labcorp
Classification: Uncertain significance for Combined oxidative phosphorylation defect type 27. Last evaluated: 2022-03-20. Review status: criteria provided, single submitter. Criteria: Invitae Variant Classification Sherloc (09022015). Collection method: clinical testing. Allele origin: germline.
Comment: This sequence change replaces proline, which is neutral and non-polar, with leucine, which is neutral and non-polar, at codon 170 of the CARS2 protein (p.Pro170Leu). This variant is present in population databases (no rsID available, gnomAD 0.007%). This variant has not been reported in the literature in individuals affected with CARS2-related conditions. Algorithms developed to predict the effect of missense changes on protein structure and function (SIFT, PolyPhen-2, Align-GVGD) all suggest that this variant is likely to be disruptive. In summary, the available evidence is currently insufficient to determine the role of this variant in disease. Therefore, it has been classified as a Variant of Uncertain Significance.

NM_024537.4(CARS2):c.509C>T (p.Pro170Leu)

Gene: CARS2 (cysteinyl-tRNA synthetase 2, mitochondrial; minus strand). Cytogenetic location: 13q34.
Variant type: single nucleotide variant.
Coding change: c.509C>T on transcript NM_024537.4 (MANE Select); coding-DNA position 509, C replaced by T.
Protein change: p.Pro170Leu; replaces proline 170 with leucine.
Molecular consequence: missense variant. On other transcripts: 5 prime UTR variant (1), non-coding transcript variant (2).
Genome position (GRCh38, 1-based): chr13:110,687,783, G>A on the plus strand (C>T on the coding strand, the complement: CARS2 is on the minus strand). VCF-style: chr13-110687783-G-A. GRCh37 (hg19) VCF-style: chr13-111340130-G-A.
Other names: c.-491C>T (NM_001352252.2); c.509C>T, p.Pro170Leu (NM_001352253.3); c.509C>T (NM_024537.2); short protein forms P170L.
Identifiers: ClinVar variation 1361929 (VCV001361929.4), dbSNP rs918590287, ClinGen allele CA256315235.